The following is an entry in ClinVar:

ClinVar aggregate classification (germline): Uncertain significance. Review status: criteria provided, multiple submitters, no conflicts (2 of 4 stars). 2 submissions from 2 submitters: Uncertain significance (2). Last evaluated 2025-09-01.

Conditions:
Inborn genetic diseases. Identifiers: MedGen C0950123, MeSH D030342.
Joubert syndrome 18 (JBTS18). Identifiers: Orphanet 2754, MedGen C3553758, MONDO:0013896, OMIM 614815.
Orofacial-digital syndrome IV (OFD4). Also called: Orofaciodigital syndrome IV; BARAITSER-BURN SYNDROME; MOHR-MAJEWSKI SYNDROME; OFD SYNDROME WITH TIBIAL DEFECTS; OFD SYNDROME, BARAITSER-BURN TYPE; OFDS IV. Identifiers: Orphanet 2753, MedGen C0406727, MONDO:0009794, OMIM 258860.

gnomAD v4.1: 2 of 1,551,244 alleles (0.00013%); highest among the groups gnomAD compares: Admixed American, 0.002%; no homozygotes.

Submissions (2):

Ambry Genetics
Classification: Uncertain significance for Inborn genetic diseases. Last evaluated: 2025-09-01. Review status: criteria provided, single submitter. Criteria: Ambry Variant Classification Scheme 2023. Collection method: clinical testing. Allele origin: germline.

Labcorp Genetics (formerly Invitae), Labcorp
Classification: Uncertain significance for Joubert syndrome 18; Orofacial-digital syndrome IV. Last evaluated: 2024-04-22. Review status: criteria provided, single submitter. Criteria: Invitae Variant Classification Sherloc (09022015). Collection method: clinical testing. Allele origin: germline.
Comment: This sequence change replaces threonine, which is neutral and polar, with isoleucine, which is neutral and non-polar, at codon 304 of the TCTN3 protein (p.Thr304Ile). The frequency data for this variant in the population databases is considered unreliable, as metrics indicate poor data quality at this position in the gnomAD database. This variant has not been reported in the literature in individuals affected with TCTN3-related conditions. ClinVar contains an entry for this variant (Variation ID: 1447771). Advanced modeling of protein sequence and biophysical properties (such as structural, functional, and spatial information, amino acid conservation, physicochemical variation, residue mobility, and thermodynamic stability) performed at Invitae indicates that this missense variant is not expected to disrupt TCTN3 protein function with a negative predictive value of 80%. In summary, the available evidence is currently insufficient to determine the role of this variant in disease. Therefore, it has been classified as a Variant of Uncertain Significance.

NM_015631.6(TCTN3):c.911C>T (p.Thr304Ile)

Gene: TCTN3 (tectonic family member 3; minus strand). Cytogenetic location: 10q24.1.
Variant type: single nucleotide variant.
Coding change: c.911C>T on transcript NM_015631.6 (MANE Select); coding-DNA position 911, C replaced by T.
Protein change: p.Thr304Ile; replaces threonine 304 with isoleucine.
Molecular consequence: missense variant. On other transcripts: intron variant (1).
Genome position (GRCh38, 1-based): chr10:95,685,614, G>A on the plus strand (C>T on the coding strand, the complement: TCTN3 is on the minus strand). VCF-style: chr10-95685614-G-A. GRCh37 (hg19) VCF-style: chr10-97445371-G-A.
Other names: c.911C>T (NM_015631.5); c.651+881C>T (NM_001143973.2); short protein forms T304I.
Identifiers: ClinVar variation 1447771 (VCV001447771.8), dbSNP rs1024201294, ClinGen allele CA211804367.